The following is an entry in ClinVar:

ClinVar aggregate classification (germline): Benign/Likely benign. Review status: criteria provided, multiple submitters, no conflicts (2 of 4 stars). 10 submissions from 10 submitters: Benign (6); Likely benign (1). 3 of the submissions do not count toward it. Last evaluated 2026-02-04.

Conditions:
Ehlers-Danlos syndrome, dermatosparaxis type. Also called: Ehlers-Danlos syndrome, type VII, autosomal recessive; EDS VIIC; Dermatosparaxis. Identifiers: Orphanet 1901, MedGen C2700425, MONDO:0009161, OMIM 225410.

Allele frequency attached by ClinVar (database versions not stated): ESP Exome Variant Server 0.30895; gnomAD 0.33047 and 0.34096; TOPMed 0.33124; gnomAD exomes 0.37626 and 0.40945; 1000 Genomes Project 30x 0.39413; ExAC 0.40916.
gnomAD v4.1: 600,556 of 1,612,154 alleles (37%); highest among the groups gnomAD compares: South Asian, 51%; 115,671 homozygotes.

Submissions (10):

Labcorp Genetics (formerly Invitae), Labcorp
Classification: Benign for Ehlers-Danlos syndrome, dermatosparaxis type. Last evaluated: 2026-02-04. Review status: criteria provided, single submitter. Criteria: Invitae Variant Classification Sherloc (09022015). Collection method: clinical testing. Allele origin: germline.

Blueprint Genetics
Classification: Likely benign. Last evaluated: 2024-11-26. Review status: criteria provided, single submitter. Criteria: ACMG Guidelines, 2015. Collection method: clinical testing. Allele origin: germline.

Genome-Nilou Lab
Classification: Benign for Ehlers-Danlos syndrome, dermatosparaxis type. Last evaluated: 2021-07-14. Review status: criteria provided, single submitter. Criteria: ACMG Guidelines, 2015. Collection method: clinical testing. Allele origin: germline. Affected: no.

Mayo Clinic Laboratories, Mayo Clinic
Classification: Benign. Last evaluated: 2019-03-13. Review status: criteria provided, single submitter. Criteria: ACMG Guidelines, 2015. Collection method: clinical testing. Allele origin: germline. Observed: 2,600 variant alleles.

Women's Health and Genetics/Laboratory Corporation of America, LabCorp
Classification: Benign. Last evaluated: 2018-06-29. Review status: criteria provided, single submitter. Criteria: LabCorp Variant Classification Summary - May 2015. Collection method: clinical testing. Allele origin: germline.
Comment: Variant summary: ADAMTS2 c.321T>C results in a synonymous change. The variant allele was found at a frequency of 0.41 in 114806 control chromosomes in the ExAC database, including 10043 homozygotes. The observed variant frequency is approximately 142-fold of the estimated maximal expected allele frequency for a pathogenic variant in ADAMTS2 causing Ehlers-Danlos Syndrome, Type VIIC (Dermatosparaxis) phenotype (0.0029), strongly suggesting that the variant is benign. To our knowledge, no occurrence of c.321T>C in individuals affected with Ehlers-Danlos Syndrome, Type VIIC (Dermatosparaxis) and no experimental evidence demonstrating its impact on protein function have been reported. Two clinical diagnostic laboratories have submitted clinical-significance assessments for this variant to ClinVar after 2014; both laboratories classified the variant as Benign. Based on the evidence outlined above, the variant was classified as benign.

Illumina Laboratory Services, Illumina
Classification: Benign for Ehlers-Danlos syndrome, dermatosparaxis type. Last evaluated: 2018-01-13. Review status: criteria provided, single submitter. Criteria: ICSL Variant Classification Criteria 13 December 2019. Collection method: clinical testing. Allele origin: germline.
Comment: This variant was observed in the ICSL laboratory as part of a predisposition screen in an ostensibly healthy population. It had not been previously curated by ICSL or reported in the Human Gene Mutation Database (HGMD: prior to June 1st, 2018), and was therefore a candidate for classification through an automated scoring system. Utilizing variant allele frequency, disease prevalence and penetrance estimates, and inheritance mode, an automated score was calculated to assess if this variant is too frequent to cause the disease. Based on the score and internal cut-off values, a variant classified as benign is not then subjected to further curation. The score for this variant resulted in a classification of benign for this disease.

GeneDx
Classification: Benign. Last evaluated: 2016-09-29. Review status: criteria provided, single submitter. Criteria: GeneDx Variant Classification (06012015). Collection method: clinical testing. Allele origin: germline. Affected: yes.
Comment: This variant is considered likely benign or benign based on one or more of the following criteria: it is a conservative change, it occurs at a poorly conserved position in the protein, it is predicted to be benign by multiple in silico algorithms, and/or has population frequency not consistent with disease.

Natera, Inc.
Classification: Benign for Ehlers-Danlos syndrome type VIIC. Last evaluated: 2020-09-16. Review status: no assertion criteria provided. Collection method: clinical testing. Allele origin: germline. Not counted in ClinVar's aggregate classification.

Genome Diagnostics Laboratory, Amsterdam University Medical Center
Classification: Benign for Ehlers-Danlos syndrome, dermatosparaxis type. Last evaluated: 2014-11-19. Review status: no assertion criteria provided. Criteria: ACGS Guidelines, 2013. Collection method: clinical testing. Allele origin: germline. Affected: yes. Study: VKGL Data-share Consensus. Not counted in ClinVar's aggregate classification.

Diagnostic Laboratory, Department of Genetics, University Medical Center Groningen
Classification: Benign for Ehlers-Danlos syndrome, dermatosparaxis type. Review status: no assertion criteria provided. Collection method: clinical testing. Allele origin: germline. Affected: yes. Study: VKGL Data-share Consensus. Not counted in ClinVar's aggregate classification.

NM_014244.5(ADAMTS2):c.321T>C (p.Ser107=)

Gene: ADAMTS2 (ADAM metallopeptidase with thrombospondin type 1 motif 2; minus strand). Cytogenetic location: 5q35.3.
Variant type: single nucleotide variant.
Coding change: c.321T>C on transcript NM_014244.5 (MANE Select); coding-DNA position 321, T replaced by C.
Protein change: p.Ser107=; no amino-acid change (serine 107 retained).
Molecular consequence: synonymous variant.
Genome position (GRCh38, 1-based): chr5:179,343,980, A>G on the plus strand (T>C on the coding strand, the complement: ADAMTS2 is on the minus strand). VCF-style: chr5-179343980-A-G. GRCh37 (hg19) VCF-style: chr5-178770981-A-G.
Other names: p.Ser107=; c.321T>C, p.Ser107= (NM_021599.4).
Identifiers: ClinVar variation 353143 (VCV000353143.22), dbSNP rs2271212, ClinGen allele CA3596344.